The following is an entry in ClinVar:

NM_000486.6(AQP2):c.377C>A (p.Thr126Lys)

Genes: AQP2 (aquaporin 2; plus strand), AQP5-AS1 (AQP5 and AQP2 antisense RNA 2; minus strand). Cytogenetic location: 12q13.12.
Variant type: single nucleotide variant.
Coding change: c.377C>A on transcript NM_000486.6 (MANE Select); coding-DNA position 377, C replaced by A.
Protein change: p.Thr126Lys; replaces threonine 126 with lysine.
Molecular consequence: missense variant. On other transcripts: non-coding transcript variant (1).
Genome position (GRCh38, 1-based): chr12:49,954,171, C>A. VCF-style: chr12-49954171-C-A. GRCh37 (hg19) VCF-style: chr12-50347954-C-A.
Other names: short protein forms T126K.
Identifiers: ClinVar variation 3339176 (VCV003339176.1).
Genomic context (GRCh38, chr12:49,954,171, plus strand): 5'-AAGTGGGCTCAGTGTTCCCCTACCCGCCTCTTCTCTGTCCCCAGCTCAGCAACAGCACGA[C>A]GGCTGGCCAGGCGGTGACTGTGGAGCTCTTCCTGACACTGCAGCTGGTGCTCTGCATCTT-3'
Protein context (NP_000477.1, residues 116-136): LAVNALSNST[Thr126Lys]AGQAVTVELF

ClinVar aggregate classification (germline): Uncertain significance (1 of 4 stars; one submission).

Submission:

Women's Health and Genetics/Laboratory Corporation of America, LabCorp
Classification: Uncertain significance. Last evaluated: 2024-07-02. Review status: criteria provided, single submitter. Criteria: LabCorp Variant Classification Summary - May 2015. Collection method: clinical testing. Allele origin: germline.
Comment: Variant summary: AQP2 c.377C>A (p.Thr126Lys) results in a non-conservative amino acid change in the encoded protein sequence. Four of five in-silico tools predict a damaging effect of the variant on protein function. The variant allele was found at a frequency of 4.1e-06 in 241842 control chromosomes (gnomAD). The available data on variant occurrences in the general population are insufficient to allow any conclusion about variant significance. To our knowledge, no occurrence of c.377C>A in individuals affected with Nephrogenic Diabetes Insipidus and no experimental evidence demonstrating its impact on protein function have been reported. No submitters have cited clinical-significance assessments for this variant to ClinVar. Based on the evidence outlined above, the variant was classified as uncertain significance.